The following is an entry in ClinVar:

ClinVar aggregate classification (germline): Uncertain significance (1 of 4 stars; one submission).

gnomAD v4.1: 169 of 1,551,518 alleles (0.011%); highest among the groups gnomAD compares: Non-Finnish European, 0.013%; no homozygotes.

Submission:

Women's Health and Genetics/Laboratory Corporation of America, LabCorp
Classification: Uncertain significance. Last evaluated: 2025-12-24. Review status: criteria provided, single submitter. Criteria: LabCorp Variant Classification Summary - May 2015. Collection method: clinical testing. Allele origin: germline.
Comment: Variant summary: COL12A1 c.-11G>A is located in the untranslated mRNA region upstream of the initiation codon. The variant allele was found at a frequency of 0.00012 in 154366 control chromosomes. This frequency is not significantly higher than estimated for disease-causing variants in COL12A1, allowing no conclusion about variant significance. To our knowledge, no occurrence of c.-11G>A in individuals affected with COL12A1-related conditions and no experimental evidence demonstrating its impact on protein function have been reported. ClinVar contains an entry for this variant (Variation ID: 3896524). Based on the evidence outlined above, the variant was classified as uncertain significance.

NM_004370.6(COL12A1):c.-11G>A

Gene: COL12A1 (collagen type XII alpha 1 chain; minus strand). Cytogenetic location: 6q14.1.
Variant type: single nucleotide variant.
Coding change: c.-11G>A on transcript NM_004370.6 (MANE Select); 11 bases upstream of the start codon, G replaced by A.
Molecular consequence: 5 prime UTR variant.
Genome position (GRCh38, 1-based): chr6:75,202,803, C>T on the plus strand (G>A on the coding strand, the complement: COL12A1 is on the minus strand). VCF-style: chr6-75202803-C-T. GRCh37 (hg19) VCF-style: chr6-75912519-C-T.
Other names: c.-11G>A (NM_001424113.1, NM_001424114.1, NM_001424115.1 and 2 more transcripts).
Identifiers: ClinVar variation 3896524 (VCV003896524.3).